The following is an entry in ClinVar:

ClinVar aggregate classification (germline): Uncertain significance (1 of 4 stars; one submission).

Conditions:
Severe combined immunodeficiency due to DNA-PKcs deficiency. Also called: IMMUNODEFICIENCY 26 WITH NEUROLOGIC ABNORMALITIES; Immunodeficiency 26 with or without neurologic abnormalities. Identifiers: Orphanet 317425, MedGen C4014833, MONDO:0014423, OMIM 615966.

Submission:

Neuberg Centre For Genomic Medicine, NCGM
Classification: Uncertain significance for Severe combined immunodeficiency due to DNA-PKcs deficiency. Last evaluated: 2024-02-01. Review status: criteria provided, single submitter. Criteria: ACMG Guidelines, 2015. Collection method: clinical testing. Allele origin: germline. Inheritance: Autosomal recessive inheritance.
Comment: The missense c.85C>A (p.Leu29Met) variant in PRKDC gene has not been reported previously as a pathogenic variant nor as a benign variant, to our knowledge

NM_006904.7(PRKDC):c.85C>A (p.Leu29Met)

Genes: PRKDC (protein kinase, DNA-activated, catalytic subunit; minus strand), LOC129929030 (ATAC-STARR-seq lymphoblastoid silent region 19177; plus strand). Cytogenetic location: 8q11.21.
Variant type: single nucleotide variant.
Coding change: c.85C>A on transcript NM_006904.7 (MANE Select); coding-DNA position 85, C replaced by A.
Protein change: p.Leu29Met; replaces leucine 29 with methionine.
Molecular consequence: missense variant.
Genome position (GRCh38, 1-based): chr8:47,960,042, G>T on the plus strand (C>A on the coding strand, the complement: PRKDC is on the minus strand). VCF-style: chr8-47960042-G-T. GRCh37 (hg19) VCF-style: chr8-48872602-G-T.
Other names: c.85C>A, p.Leu29Met (NM_001081640.2); short protein forms L29M.
Identifiers: ClinVar variation 3898002 (VCV003898002.1).